The following is an entry in ClinVar:

NM_001958.5(EEF1A2):c.47T>C (p.Val16Ala)

Gene: EEF1A2 (eukaryotic translation elongation factor 1 alpha 2; minus strand). Cytogenetic location: 20q13.33.
Variant type: single nucleotide variant.
Coding change: c.47T>C on transcript NM_001958.5 (MANE Select); coding-DNA position 47, T replaced by C.
Protein change: p.Val16Ala; replaces valine 16 with alanine.
Molecular consequence: missense variant.
Genome position (GRCh38, 1-based): chr20:63,497,717, A>G on the plus strand (T>C on the coding strand, the complement: EEF1A2 is on the minus strand). VCF-style: chr20-63497717-A-G. GRCh37 (hg19) VCF-style: chr20-62129070-A-G.
Other names: short protein forms V16A.
Identifiers: ClinVar variation 1333252 (VCV001333252.2), dbSNP rs1600909763, ClinGen allele CA409651892.

ClinVar aggregate classification (germline): Uncertain significance (1 of 4 stars; one submission).

Conditions:
Intellectual developmental disorder, autosomal dominant 38. Also called: PSYCHOMOTOR RETARDATION, EPILEPSY, AND LANGUAGE DISABILITY SYNDROME; Intellectual disability, autosomal dominant 38. Identifiers: MedGen C4225343, MONDO:0014617, OMIM 616393.

Submission:

3billion
Classification: Uncertain significance for Intellectual developmental disorder, autosomal dominant 38. Last evaluated: 2022-01-03. Review status: criteria provided, single submitter. Criteria: ACMG Guidelines, 2015. Collection method: clinical testing. Allele origin: germline. Inheritance: Autosomal dominant inheritance. Affected: yes. Observed: 1 heterozygote.
Comment: A different missense change at the same codon (p.Val16Leu) has been reported to be associated with EEF1A2 related disorder (ClinVar ID: VCV000870132, PMID:33307280, PM5_M). In silico tool predictions suggest damaging effect of the variant on gene or gene product (REVEL: 0.707, 3CNET: 0.978, PP3_P). A missense variant is a common mechanism associated with Mental retardation (PP2_P). It is not observed in the gnomAD v2.1.1 dataset (PM2_M). Therefore, this variant is classified as uncertain significance according to the recommendation of ACMG/AMP guideline.